The following is an entry in ClinVar:

NM_001164508.2(NEB):c.20863G>A (p.Ala6955Thr)

Gene: NEB (nebulin; minus strand). Cytogenetic location: 2q23.3.
Variant type: single nucleotide variant.
Coding change: c.20863G>A on transcript NM_001164508.2 (MANE Select); coding-DNA position 20863, G replaced by A.
Protein change: p.Ala6955Thr; replaces alanine 6955 with threonine.
Molecular consequence: missense variant.
Genome position (GRCh38, 1-based): chr2:151,540,373, C>T on the plus strand (G>A on the coding strand, the complement: NEB is on the minus strand). VCF-style: chr2-151540373-C-T. GRCh37 (hg19) VCF-style: chr2-152396887-C-T.
Other names: c.20863G>A, p.Ala6955Thr (NM_001164507.2, NM_001271208.2); c.15760G>A, p.Ala5254Thr (NM_004543.5); short protein forms A5254T, A6955T.
Identifiers: ClinVar variation 1058697 (VCV001058697.7), dbSNP rs2153567154, ClinGen allele CA348776979.

ClinVar aggregate classification (germline): Uncertain significance (1 of 4 stars; one submission).

Conditions:
Nemaline myopathy 2 (NEM2). Also called: Nemaline myopathy 2, autosomal recessive. Identifiers: MedGen C1850569, MONDO:0009725, OMIM 256030.

Submission:

Labcorp Genetics (formerly Invitae), Labcorp
Classification: Uncertain significance for Nemaline myopathy 2. Last evaluated: 2021-12-07. Review status: criteria provided, single submitter. Criteria: Invitae Variant Classification Sherloc (09022015). Collection method: clinical testing. Allele origin: germline.
Comment: This variant is not present in population databases (gnomAD no frequency). This missense change has been observed in individual(s) with clinical features of congenital myopathy (Invitae). ClinVar contains an entry for this variant (Variation ID: 1058697). Algorithms developed to predict the effect of missense changes on protein structure and function are either unavailable or do not agree on the potential impact of this missense change (SIFT: "Deleterious"; PolyPhen-2: "Not Available"; Align-GVGD: "Class C0"). In summary, the available evidence is currently insufficient to determine the role of this variant in disease. Therefore, it has been classified as a Variant of Uncertain Significance. This sequence change replaces alanine, which is neutral and non-polar, with threonine, which is neutral and polar, at codon 6955 of the NEB protein (p.Ala6955Thr).